The following is an entry in ClinVar:

ClinVar aggregate classification (germline): Pathogenic. Review status: criteria provided, multiple submitters, no conflicts (2 of 4 stars). 12 submissions from 12 submitters: Pathogenic (11). 1 of the submissions does not count toward it. Last evaluated 2026-01-16.

Conditions:
GCDH-related disorder. Also called: GCDH-related condition.
Glutaric aciduria, type 1. Also called: GA I; Glutaricacidemia Type 1; Glutaricaciduria, type I; Glutaryl-CoA dehydrogenase deficiency; Glutaric Acidemia Type 1; Glutaric acidemia type I. Identifiers: Orphanet 25, MedGen C0268595, MONDO:0009281, OMIM 231670.

Allele frequency attached by ClinVar (database versions not stated): ExAC 0.00005; TOPMed 0.00007; ESP Exome Variant Server 0.00015.

Submissions (12):

Labcorp Genetics (formerly Invitae), Labcorp
Classification: Pathogenic for Glutaric aciduria, type 1. Last evaluated: 2026-01-16. Review status: criteria provided, single submitter. Criteria: Invitae Variant Classification Sherloc (09022015). Collection method: clinical testing. Allele origin: germline.
Comment: This sequence change replaces arginine, which is basic and polar, with cysteine, which is neutral and slightly polar, at codon 88 of the GCDH protein (p.Arg88Cys). This variant is present in population databases (rs142967670, gnomAD 0.01%). This missense change has been observed in individual(s) with glutaric aciduria type I (PMID: 8900227, 10699052, 11073722, 19433437, 23395213, 28438223). ClinVar contains an entry for this variant (Variation ID: 189150). Invitae Evidence Modeling of protein sequence and biophysical properties (such as structural, functional, and spatial information, amino acid conservation, physicochemical variation, residue mobility, and thermodynamic stability) indicates that this missense variant is expected to disrupt GCDH protein function with a positive predictive value of 80%. Experimental studies have shown that this missense change affects GCDH function (PMID: 8900227). This variant disrupts the p.Arg88 amino acid residue in GCDH. Other variant(s) that disrupt this residue have been determined to be pathogenic (PMID: 21811973, 23395213, 24332224). This suggests that this residue is clinically significant, and that variants that disrupt this residue are likely to be disease-causing. For these reasons, this variant has been classified as Pathogenic.

Natera, Inc.
Classification: Pathogenic for Glutaric acidemia type 1. Last evaluated: 2025-11-06. Review status: criteria provided, single submitter. Criteria: Natera Variant Classification Schema (03/2026). Collection method: clinical testing. Allele origin: germline.
Comment: The c.262C>T variant in GCDH is a missense variant predicted to cause substitution of arginine to cysteine at amino acid 88. This variant is rare in the general population with a frequency below the threshold expected for the associated phenotype(s). This variant has been observed in one or more individuals affected with the associated recessive disease, as either homozygous or compound heterozygous with a second variant (PMID: 33064266, 28438223, 27243974, 11073722). Computational prediction algorithms indicate this variant is likely to affect gene or protein function. Given the available evidence, this variant is classified as Pathogenic.

Dasa
Classification: Pathogenic. Last evaluated: 2025-09-10. Review status: criteria provided, single submitter. Criteria: DASA Assertion Criteria. Collection method: clinical testing. Allele origin: germline.
Comment: NM_000159.4(GCDH):c.262C>T (p.Arg88Cys) is a missense variant that results in the substitution of arginine with cysteine. The affected residue or protein region has prior evidence supporting clinical relevance. This variant has been recurrently observed in affected individuals with related phenotype in a genotype context consistent with recessive disease (PMID: 28062662; PMID: 39963939; PMID: 11073722; PMID: 10699052; PMID: 37078465). Functional evidence supports a deleterious effect on the gene or gene product (PMID: 28062662; PMID: 39963939; PMID: 11073722; PMID: 10699052; PMID: 37078465). Multiple computational predictions support a deleterious effect on the gene or gene product. The variant is present at low frequency in population datasets. Based on the available data, this variant is classified as pathogenic.

PreventionGenetics, part of Exact Sciences
Classification: Pathogenic for GCDH-related condition. Last evaluated: 2025-04-29. Review status: criteria provided, single submitter. Criteria: ACMG Guidelines, 2015. Collection method: clinical testing. Allele origin: germline.
Comment: The GCDH c.262C>T variant is predicted to result in the amino acid substitution p.Arg88Cys. This variant has been reported, in the homozygous or compound heterozygous state, in multiple glutaric acidemia type I patients (e.g., Biery et al. 1996. PubMed ID: 8900227; Schwartz et al. 1998. PubMed ID: 9600243; Christensen et al. 2004. Pub Med ID: 15505393; Yubero et al. 2016. PubMed ID: 27243974, Table S2; Boy et al. 2017. PubMed ID: 28438223). This variant was reported to abolish enzyme activity in an in vitro E. coli expression study (Biery et al. 1996. PubMed ID: 8900227), and in a different study, the p.Arg88Cys substitution was reported to disrupt mitochondrial architecture (Schmiesing et al. 2017. PubMed ID: 28062662). A different substitution of the same amino acid (p.Arg88His) has also been reported in glutaric acidemia type I patients (Wang et al. 2014. PubMed ID: 24332224). This variant is reported in 0.011% of alleles in individuals of European (Non-Finnish) descent in gnomAD. This variant is interpreted as pathogenic.

North West Genomic Laboratory Hub, Manchester University NHS Foundation Trust
Classification: Pathogenic for Glutaric aciduria, type 1. Last evaluated: 2025-03-04. Review status: criteria provided, single submitter. Criteria: ACGS Best Practice Guidelines for Variant Classification in Rare Disease 2024. Collection method: clinical testing. Allele origin: germline. Affected: yes.
Comment: PM2_Mod PM5_Mod PP4_Mod PM3_Mod PP3_Supp PS3_Mod

Genetic Services Laboratory, University of Chicago
Classification: Pathogenic. Last evaluated: 2024-12-02. Review status: criteria provided, single submitter. Criteria: ACMG Guidelines, 2015. Collection method: clinical testing. Allele origin: germline. Affected: yes.
Comment: DNA sequence analysis of the GCDH gene demonstrated a sequence change, c.262C>T, in exon 4 that results in an amino acid change, p.Arg88Cys. The p.Arg88Cys change affects a highly conserved amino acid residue located in a domain of the GCDH protein that is known to be functional. The p.Arg88Cys substitution appears to be deleterious/possibly damaging using several in-silico pathogenicity prediction tools (SIFT, PolyPhen2, Align GVGD, REVEL). This sequence change has previously been described in multiple unrelated individuals with glutaric aciduria type I (PMIDs: 8900227, 10699052, 11073722, 19433437, 23395213, 28438223). This sequence change has been described in the gnomAD database with a frequency of 0.01% in the Non-Finnish European subpopulation (dbSNP rs142967670). The p.Arg88Cys amino acid change occurs in a region of the GCDH gene where other missense sequence changes have been described in individuals with GCDH-related disorders. Taken together, the available evidence indicates that this sequence change is pathogenic.

Greenwood Genetic Center Diagnostic Laboratories, Greenwood Genetic Center
Classification: Pathogenic for Glutaric aciduria, type 1. Last evaluated: 2024-08-19. Review status: criteria provided, single submitter. Criteria: ACMG Guidelines, 2015. Collection method: clinical testing. Allele origin: germline. Affected: yes.
Comment: PS3, PM1_Supporting, PM2, PM3, PP3

Fulgent Genetics
Classification: Pathogenic for Glutaric aciduria, type 1. Last evaluated: 2024-05-30. Review status: criteria provided, single submitter. Criteria: ACMG Guidelines, 2015. Collection method: clinical testing. Allele origin: germline.

GeneDx
Classification: Pathogenic. Last evaluated: 2022-01-13. Review status: criteria provided, single submitter. Criteria: GeneDx Variant Classification Process June 2021. Collection method: clinical testing. Allele origin: germline. Affected: yes.
Comment: Published functional studies demonstrate this variant results in glutaryl-CoA dehydrogenase activity that is less than 1% of the activity of expressed wild-type protein (Biery et al., 1996); Not observed at a significant frequency in large population cohorts (gnomAD); In silico analysis, which includes protein predictors and evolutionary conservation, supports a deleterious effect; This variant is associated with the following publications: (PMID: 25255367, 24332224, 23395213, 25087612, 28438223, 28062662, 8900227, 10699052, 11073722, 19433437, 31536184, 33064266, 32778825)

Illumina Laboratory Services, Illumina
Classification: Pathogenic for Glutaric aciduria, type 1. Last evaluated: 2018-10-16. Review status: criteria provided, single submitter. Criteria: ICSL Variant Classification Criteria 09 May 2019. Collection method: clinical testing. Allele origin: germline.
Comment: Across a selection of the available literature, the GCDH c.262C>T (p.Arg88Cys) variant has been identified in ten probands with glutaric acidemia, including four who carried the variant in a homozygous state and six who carried the variant in a compound heterozygous state, and in an additional seven proband alleles (Biery et al. 1996; Schwartz et al. 1998; Busquets et al. 2000; Zschocke et al. 2000; Al-Dirbashi et al. 2011; Bhattacharjee et al. 2015; Schmiesing et al. 2017). Control data are unavailable for this variant, which is reported at a frequency of 0.000108 in the European (non-Finnish) population of the Genome Aggregation Database. Expression of wild type and p.Arg88Cys variant GCDH in E. coli revealed the p.Arg88Cys variant produced stable protein, however Western blotting found no enzyme activity (Biery et al. 1996). Expression of the p.Arg88Cys variant in HeLa cells revealed expression and degradation rates similar to wild type and normal mitochondrial localization but abnormal mitochondrial architecture, while expression in HEK293T cells revealed no negative impact on oligomer formation (Schmiesing et al. 2017). Based on the collective evidence, the p.Arg88Cys variant is classified as pathogenic for glutaric acidemia. This variant was observed by ICSL as part of a predisposition screen in an ostensibly healthy population.

Women's Health and Genetics/Laboratory Corporation of America, LabCorp
Classification: Pathogenic for Glutaric aciduria, type 1. Last evaluated: 2017-04-06. Review status: criteria provided, single submitter. Criteria: LabCorp Variant Classification Summary - May 2015. Collection method: clinical testing. Allele origin: germline.
Comment: Variant summary: The GCDH c.262C>T (p.Arg88Cys) variant involves the alteration of a conserved nucleotide. 4/4 in silico tools predict a damaging outcome for this variant (SNPs&GO not captured due to low reliability index). This variant was found in 6/121308 control chromosomes at a frequency of 0.0000495, which does not exceed the estimated maximal expected allele frequency of a pathogenic GCDH variant (0.0035355). The variant was reported in numerous affected individuals in the literature and functional studies using both expression systems as well as patient firbroblasts show the variant to have a complete loss of GCDH activity (Biery_1996, CHRISTENSEN_2004). In addition, multiple clinical diagnostic laboratories/reputable databases classified this variant as likely pathogenic/pathogenic. Taken together, this variant is classified as pathogenic.

Counsyl
Classification: Pathogenic for Glutaric aciduria, type 1. Last evaluated: 2018-11-14. Review status: no assertion criteria provided. Collection method: clinical testing. Allele origin: unknown. Not counted in ClinVar's aggregate classification.

Literature cited by the submitters: PubMed 8900227 (cited by 4 submitters); PubMed 10699052 (cited by 3 submitters); PubMed 11073722 (cited by 4 submitters); PubMed 19433437 (cited by Labcorp Genetics (formerly Invitae), Labcorp and Counsyl); PubMed 23395213 (cited by Labcorp Genetics (formerly Invitae), Labcorp and Counsyl); PubMed 28438223 (cited by 3 submitters); PubMed 21811973 (cited by Labcorp Genetics (formerly Invitae), Labcorp); PubMed 24332224 (cited by Labcorp Genetics (formerly Invitae), Labcorp); PubMed 33064266 (cited by Natera, Inc.); PubMed 27243974 (cited by Natera, Inc. and Counsyl); PubMed 28062662 (cited by 3 submitters); PubMed 39963939 (cited by Dasa); PubMed 37078465 (cited by Dasa); PubMed 9600243 (cited by Illumina Laboratory Services, Illumina and Counsyl); PubMed 20978942 (cited by Illumina Laboratory Services, Illumina); PubMed 25255367 (cited by Illumina Laboratory Services, Illumina and Counsyl); PubMed 15505393 (cited by Women's Health and Genetics/Laboratory Corporation of America, LabCorp and Counsyl); PubMed 26633542 (cited by Counsyl).

NM_000159.4(GCDH):c.262C>T (p.Arg88Cys)

Gene: GCDH (glutaryl-CoA dehydrogenase; plus strand). Cytogenetic location: 19p13.13.
Variant type: single nucleotide variant.
Coding change: c.262C>T on transcript NM_000159.4 (MANE Select); coding-DNA position 262, C replaced by T.
Protein change: p.Arg88Cys; replaces arginine 88 with cysteine.
Molecular consequence: missense variant. On other transcripts: non-coding transcript variant (2).
Genome position (GRCh38, 1-based): chr19:12,891,965, C>T. VCF-style: chr19-12891965-C-T. GRCh37 (hg19) VCF-style: chr19-13002779-C-T.
Other names: c.262C>T, p.Arg88Cys (NM_013976.5); short protein forms R88C.
Identifiers: ClinVar variation 189150 (VCV000189150.34), dbSNP rs142967670, ClinGen allele CA274425.